The following is an entry in ClinVar:

ClinVar aggregate classification (germline): Uncertain significance. Review status: criteria provided, multiple submitters, no conflicts (2 of 4 stars). 2 submissions from 2 submitters: Uncertain significance (2). Last evaluated 2025-01-30.

Allele frequency attached by ClinVar (database versions not stated): TOPMed 0.00002; gnomAD 0.00003.
gnomAD v4.1: 4 of 1,462,556 alleles (0.00027%); highest among the groups gnomAD compares: Admixed American, 0.01%; no homozygotes.

Submissions (2):

Labcorp Genetics (formerly Invitae), Labcorp
Classification: Uncertain significance. Last evaluated: 2025-01-30. Review status: criteria provided, single submitter. Criteria: Invitae Variant Classification Sherloc (09022015). Collection method: clinical testing. Allele origin: germline.
Comment: This sequence change replaces arginine, which is basic and polar, with tryptophan, which is neutral and slightly polar, at codon 9 of the DSCAML1 protein (p.Arg9Trp). This variant is not present in population databases (gnomAD no frequency). This variant has not been reported in the literature in individuals affected with DSCAML1-related conditions. ClinVar contains an entry for this variant (Variation ID: 3085894). Experimental studies and prediction algorithms are not available or were not evaluated, and the functional significance of this variant is currently unknown. In summary, the available evidence is currently insufficient to determine the role of this variant in disease. Therefore, it has been classified as a Variant of Uncertain Significance.

Ambry Genetics
Classification: Uncertain significance. Last evaluated: 2023-10-30. Review status: criteria provided, single submitter. Criteria: Ambry Variant Classification Scheme 2023. Collection method: clinical testing. Allele origin: germline.

NC_000011.10:g.117797235T>A

Gene: DSCAML1 (DS cell adhesion molecule like 1; minus strand). Cytogenetic location: 11q23.3.
Variant type: single nucleotide variant.
Molecular consequence: intron variant (on NM_001367905.1).
Genome position: GRCh38 VCF-style: chr11-117797235-T-A. GRCh37 (hg19) VCF-style: chr11-117667950-T-A.
Other names: c.-362-16425A>T (NM_001367905.1).
Identifiers: ClinVar variation 3085894 (VCV003085894.3), dbSNP rs1413956750, ClinGen allele CA382762537.